The following is an entry in ClinVar:

NM_206933.4(USH2A):c.7609G>A (p.Val2537Ile)

Gene: USH2A (usherin; minus strand). Cytogenetic location: 1q41.
Variant type: single nucleotide variant.
Coding change: c.7609G>A on transcript NM_206933.4 (MANE Select); coding-DNA position 7609, G replaced by A.
Protein change: p.Val2537Ile; replaces valine 2537 with isoleucine.
Molecular consequence: missense variant.
Genome position (GRCh38, 1-based): chr1:215,889,040, C>T on the plus strand (G>A on the coding strand, the complement: USH2A is on the minus strand). VCF-style: chr1-215889040-C-T. GRCh37 (hg19) VCF-style: chr1-216062382-C-T.
Other names: short protein forms V2537I.
Identifiers: ClinVar variation 2416018 (VCV002416018.6), dbSNP rs1466461573, ClinGen allele CA344841841.
Genomic context (GRCh38, chr1:215,889,040, plus strand): 5'-TAGGATGCTGCCAGGTGACCAACATCATTCTTGACTTCACATCCAGAAGAATCGGAGGAA[C>T]TACAGGTCCAGGTTCTGTAAAGTAAAATAAATCCAGAAAGTCAGACCTCTTGGAAATGTC-3'
Protein context (NP_996816.3, residues 2527-2547): MTAEDKPGPV[Val2537Ile]PPILLDVKSR

ClinVar aggregate classification (germline): Uncertain significance (1 of 4 stars; one submission).

Allele frequency attached by ClinVar (database versions not stated): gnomAD exomes below 0.00001; TOPMed 0.00001; gnomAD 0.00002.
gnomAD v4.1: 5 of 1,613,694 alleles (0.00031%); highest among the groups gnomAD compares: African/African-American, 0.0067%; no homozygotes.

Submission:

Labcorp Genetics (formerly Invitae), Labcorp
Classification: Uncertain significance. Last evaluated: 2024-05-22. Review status: criteria provided, single submitter. Criteria: Invitae Variant Classification Sherloc (09022015). Collection method: clinical testing. Allele origin: germline.
Comment: This sequence change replaces valine, which is neutral and non-polar, with isoleucine, which is neutral and non-polar, at codon 2537 of the USH2A protein (p.Val2537Ile). This variant is present in population databases (no rsID available, gnomAD 0.01%). This variant has not been reported in the literature in individuals affected with USH2A-related conditions. ClinVar contains an entry for this variant (Variation ID: 2416018). Advanced modeling of protein sequence and biophysical properties (such as structural, functional, and spatial information, amino acid conservation, physicochemical variation, residue mobility, and thermodynamic stability) performed at Invitae indicates that this missense variant is not expected to disrupt USH2A protein function with a negative predictive value of 95%. In summary, the available evidence is currently insufficient to determine the role of this variant in disease. Therefore, it has been classified as a Variant of Uncertain Significance.